The following is an entry in ClinVar:

NM_003072.5(SMARCA4):c.4180G>A (p.Glu1394Lys)

Gene: SMARCA4 (SWI/SNF related BAF chromatin remodeling complex subunit ATPase 4; plus strand). Cytogenetic location: 19p13.2.
Variant type: single nucleotide variant.
Coding change: c.4180G>A on transcript NM_003072.5 (MANE Select); coding-DNA position 4180, G replaced by A.
Protein change: p.Glu1394Lys; replaces glutamic acid 1394 with lysine.
Molecular consequence: missense variant. On other transcripts: non-coding transcript variant (1).
Genome position (GRCh38, 1-based): chr19:11,041,316, G>A. VCF-style: chr19-11041316-G-A. GRCh37 (hg19) VCF-style: chr19-11151992-G-A.
Other names: c.4180G>A, p.Glu1394Lys (NM_001128844.3); c.4090G>A, p.Glu1364Lys (NM_001128845.2, NM_001128846.2); c.4081G>A, p.Glu1361Lys (NM_001128847.4, NM_001128848.2, NM_001374457.1); c.4276G>A, p.Glu1426Lys (NM_001128849.3); short protein forms E1364K, E1426K, E1361K, E1394K.
Identifiers: ClinVar variation 824746 (VCV000824746.12), dbSNP rs1238368623, ClinGen allele CA404072723.
Genomic context (GRCh38, chr19:11,041,316, plus strand): 5'-CTTGTCGACCTGGGTGCTGGCTGTCCTATTTTACTACTATTGACCCTGAAGGCCATCGAG[G>A]AGGGCACGCTGGAGGAGATCGAAGAGGAGGTCCGGCAGAAGAAATCATCACGGAAGCGCA-3'
Protein context (NP_003063.2, residues 1384-1404): TEKQWLKAIE[Glu1394Lys]GTLEEIEEEV

ClinVar aggregate classification (germline): Uncertain significance. Review status: criteria provided, multiple submitters, no conflicts (2 of 4 stars). 2 submissions from 2 submitters: Uncertain significance (2). Last evaluated 2022-09-08.

Conditions:
Rhabdoid tumor predisposition syndrome 2 (RTPS2). Identifiers: Orphanet 231108, Orphanet 69077, MedGen C2750074, MONDO:0013224, OMIM 613325.
Hereditary cancer-predisposing syndrome. Also called: Neoplastic Syndromes, Hereditary; Tumor predisposition; Hereditary neoplastic syndrome; Hereditary Cancer Syndrome. Identifiers: Orphanet 140162, MedGen C0027672, MeSH D009386, MONDO:0015356.

Allele frequency attached by ClinVar (database versions not stated): TOPMed 0.00001.

Submissions (2):

Labcorp Genetics (formerly Invitae), Labcorp
Classification: Uncertain significance for Rhabdoid tumor predisposition syndrome 2. Last evaluated: 2022-09-08. Review status: criteria provided, single submitter. Criteria: Invitae Variant Classification Sherloc (09022015). Collection method: clinical testing. Allele origin: germline.
Comment: In summary, the available evidence is currently insufficient to determine the role of this variant in disease. Therefore, it has been classified as a Variant of Uncertain Significance. Algorithms developed to predict the effect of missense changes on protein structure and function are either unavailable or do not agree on the potential impact of this missense change (SIFT: "Deleterious"; PolyPhen-2: "Benign"; Align-GVGD: "Class C55"). ClinVar contains an entry for this variant (Variation ID: 824746). This variant has not been reported in the literature in individuals affected with SMARCA4-related conditions. This variant is not present in population databases (gnomAD no frequency). This sequence change replaces glutamic acid, which is acidic and polar, with lysine, which is basic and polar, at codon 1426 of the SMARCA4 protein (p.Glu1426Lys).

Ambry Genetics
Classification: Uncertain significance for Hereditary cancer-predisposing syndrome. Last evaluated: 2021-08-03. Review status: criteria provided, single submitter. Criteria: Ambry Variant Classification Scheme 2023. Collection method: clinical testing. Allele origin: germline.
Comment: The p.E1426K variant (also known as c.4276G>A), located in coding exon 30 of the SMARCA4 gene, results from a G to A substitution at nucleotide position 4276. The glutamic acid at codon 1426 is replaced by lysine, an amino acid with similar properties. This amino acid position is well conserved in available vertebrate species. In addition, the in silico prediction for this alteration is inconclusive. Missense and in-frame variants in SMARCA4 are known to cause neurodevelopmental disorders; however, such associations with rhabdoid tumor predisposition syndrome including small cell carcinoma of the ovary-hypercalcemic type (SCCOHT) are exceedingly rare (Kosho T et al. Am J Med Genet C Semin Med Genet. 2014 Sep;166C(3):262-75; Jelinic P et al. Nat Genet. 2014 May;46(5):424-6). Since supporting evidence is limited at this time, the clinical significance of this alteration remains unclear.